The following is an entry in ClinVar:

NM_000429.3(MAT1A):c.125_131del (p.Leu42fs)

Gene: MAT1A (methionine adenosyltransferase 1A; minus strand). Cytogenetic location: 10q22.3.
Variant type: Deletion.
Coding change: c.125_131del on transcript NM_000429.3 (MANE Select); coding-DNA positions 125 to 131, 7 bases deleted (TGGATGC; older notation c.125_131delTGGATGC).
Protein change: p.Leu42fs; shifts the reading frame from leucine 42.
Molecular consequence: frameshift variant.
Genome position (GRCh38, 1-based): chr10:80,285,550-80,285,556, GCATCCA deleted on the plus strand (TGGATGC on the coding strand, the reverse complement: MAT1A is on the minus strand); deleting any 7 consecutive bases within chr10:80,285,550-80,285,559 gives the same sequence; the c. name uses the placement nearest the transcript's 3' end. VCF-style (leftmost placement, unchanged base first): chr10-80285549-GGCATCCA-G. GRCh37 (hg19) VCF-style: chr10-82045305-GGCATCCA-G.
Other names: short protein forms L42fs.
Identifiers: ClinVar variation 2103029 (VCV002103029.4), dbSNP rs2492507192, ClinGen allele CA2580082091.

ClinVar aggregate classification (germline): Pathogenic (1 of 4 stars; one submission).

Conditions:
Hepatic methionine adenosyltransferase deficiency. Also called: Deficiency of methionine adenosyltransferase; MAT I/III DEFICIENCY; Methionine adenosyltransferase deficiency; Isolated Persistent Hypermethioninemia. Identifiers: Orphanet 168598, MedGen C0268621, MeSH C564683, MONDO:0009607, OMIM 250850.

Submission:

Labcorp Genetics (formerly Invitae), Labcorp
Classification: Pathogenic for Hepatic methionine adenosyltransferase deficiency. Last evaluated: 2022-02-24. Review status: criteria provided, single submitter. Criteria: Invitae Variant Classification Sherloc (09022015). Collection method: clinical testing. Allele origin: germline.
Comment: For these reasons, this variant has been classified as Pathogenic. This variant has not been reported in the literature in individuals affected with MAT1A-related conditions. This variant is not present in population databases (gnomAD no frequency). This sequence change creates a premature translational stop signal (p.Leu42Profs*40) in the MAT1A gene. It is expected to result in an absent or disrupted protein product. Loss-of-function variants in MAT1A are known to be pathogenic (PMID: 20675163, 24231718).

Literature cited by the submitters: PubMed 20675163; PubMed 24231718.